The following is an entry in ClinVar:

ClinVar aggregate classification (germline): Likely benign. Review status: criteria provided, multiple submitters, no conflicts (2 of 4 stars). 3 submissions from 3 submitters: Likely benign (3). Last evaluated 2025-12-11.

Conditions:
Hereditary cancer-predisposing syndrome. Also called: Tumor predisposition; Neoplastic Syndromes, Hereditary; Hereditary Cancer Syndrome; Hereditary neoplastic syndrome. Identifiers: Orphanet 140162, MedGen C0027672, MeSH D009386, MONDO:0015356.
Gorlin syndrome. Also called: Nevoid Basal Cell Carcinoma Syndrome; Basal cell nevus syndrome. Identifiers: Orphanet 377, MedGen C0004779, MONDO:0007187.

Allele frequency attached by ClinVar (database versions not stated): gnomAD exomes below 0.00001; TOPMed below 0.00001.
gnomAD v4.1: 1 of 1,573,748 alleles (0.000064%); highest among the groups gnomAD compares: Non-Finnish European, 0.000086%; no homozygotes.

Submissions (3):

Ambry Genetics
Classification: Likely benign for Hereditary cancer-predisposing syndrome. Last evaluated: 2025-12-11. Review status: criteria provided, single submitter. Criteria: Ambry Variant Classification Scheme 2023. Collection method: clinical testing. Allele origin: germline.

Labcorp Genetics (formerly Invitae), Labcorp
Classification: Likely benign for Gorlin syndrome. Last evaluated: 2025-10-06. Review status: criteria provided, single submitter. Criteria: Invitae Variant Classification Sherloc (09022015). Collection method: clinical testing. Allele origin: germline.

Women's Health and Genetics/Laboratory Corporation of America, LabCorp
Classification: Likely benign. Last evaluated: 2025-06-17. Review status: criteria provided, single submitter. Criteria: LabCorp Variant Classification Summary - May 2015. Collection method: clinical testing. Allele origin: germline.
Comment: Variant summary: PTCH1 c.3805-4G>A alters a nucleotide located at a position not widely known to affect splicing. Consensus agreement among computation tools predict no significant impact on normal splicing. However, these predictions have yet to be confirmed by functional studies. The variant was absent in 199390 control chromosomes. The available data on variant occurrences in the general population are insufficient to allow any conclusion about variant significance. To our knowledge, no occurrence of c.3805-4G>A in individuals affected with Nevoid Basal Cell Carcinoma Syndrome (Gorlin Syndrome) and no experimental evidence demonstrating its impact on protein function have been reported. ClinVar contains an entry for this variant (Variation ID: 415484). Based on the evidence outlined above, the variant was classified as likely benign.

NM_000264.5(PTCH1):c.3805-4G>A

Gene: PTCH1 (patched 1; minus strand). Cytogenetic location: 9q22.32.
Variant type: single nucleotide variant.
Coding change: c.3805-4G>A on transcript NM_000264.5 (MANE Select); 4 bases into the intron before coding-DNA position 3805, G replaced by A.
Molecular consequence: intron variant.
Genome position (GRCh38, 1-based): chr9:95,447,455, C>T on the plus strand (G>A on the coding strand, the complement: PTCH1 is on the minus strand). VCF-style: chr9-95447455-C-T. GRCh37 (hg19) VCF-style: chr9-98209737-C-T.
Other names: c.3802-4G>A (NM_001083603.3); c.3607-4G>A (NM_001083602.3); c.3649-4G>A (NM_001354918.2); c.3352-4G>A (NM_001083605.3, NM_001083604.3, NM_001083606.3 and 1 more transcripts).
Identifiers: ClinVar variation 415484 (VCV000415484.15), dbSNP rs1060504537, ClinGen allele CA16612904.